The following is an entry in ClinVar:

NM_000501.4(ELN):c.1747+26C>T

Genes: ELN (elastin; plus strand), ELN-AS1 (ELN antisense RNA 1; minus strand). Cytogenetic location: 7q11.23.
Variant type: single nucleotide variant.
Coding change: c.1747+26C>T on transcript NM_000501.4 (MANE Select); 26 bases into the intron after coding-DNA position 1747, C replaced by T.
Molecular consequence: intron variant. On other transcripts: synonymous variant (1).
Genome position (GRCh38, 1-based): chr7:74,060,527, C>T. VCF-style: chr7-74060527-C-T. GRCh37 (hg19) VCF-style: chr7-73474857-C-T.
Other names: c.1860C>T, p.Ser620= (NM_001278939.2); c.1762+26C>T (NM_001081754.3); c.1705+26C>T (NM_001081753.3); c.1765+26C>T (NM_001278915.2); c.1747+26C>T (NM_001278912.2); c.1690+26C>T (NM_001081755.3); c.1603+26C>T (NM_001278916.2); c.1504+26C>T (NM_001278913.2); and 4 more.
Identifiers: ClinVar variation 698223 (VCV000698223.34), dbSNP rs371491330, ClinGen allele CA4293176.

ClinVar aggregate classification (germline): Likely benign. Review status: criteria provided, multiple submitters, no conflicts (2 of 4 stars). 2 submissions from 2 submitters: Likely benign (2). Last evaluated 2026-01-01.

Conditions:
Supravalvar aortic stenosis (SVAS). Also called: Supravalvar aortic stenosis, Eisenberg type. Identifiers: Orphanet 3193, MedGen C0003499, MONDO:0008504, OMIM 185500, HP:0004381.

Allele frequency attached by ClinVar (database versions not stated): gnomAD exomes 0.00001 and 0.00002; ExAC 0.00002; ESP Exome Variant Server 0.00015; gnomAD 0.00015 and 0.00017; TOPMed 0.00022.
gnomAD v4.1: 41 of 1,614,198 alleles (0.0025%); highest among the groups gnomAD compares: African/African-American, 0.04%; no homozygotes.

Submissions (2):

Labcorp Genetics (formerly Invitae), Labcorp
Classification: Likely benign for Supravalvar aortic stenosis. Last evaluated: 2026-01-01. Review status: criteria provided, single submitter. Criteria: Invitae Variant Classification Sherloc (09022015). Collection method: clinical testing. Allele origin: germline.

CeGaT Center for Human Genetics Tuebingen
Classification: Likely benign. Last evaluated: 2022-09-01. Review status: criteria provided, single submitter. Criteria: CeGaT Center For Human Genetics Tuebingen Variant Classification Criteria Version 2. Collection method: clinical testing. Allele origin: germline. Affected: yes. Observed: 1 variant allele.
Comment: ELN: BP4, BP7